The following is an entry in ClinVar:

ClinVar aggregate classification (germline): Conflicting classifications of pathogenicity. Review status: criteria provided, conflicting classifications (1 of 4 stars). 15 submissions from 15 submitters: Uncertain significance (1); Benign (9); Likely benign (3). 2 of the submissions do not count toward it. Last evaluated 2026-02-03.

Conditions:
Familial hypobetalipoproteinemia 1. Also called: Hypobetalipoproteinemia, normotriglyceridemic; Acanthocytosis with hypobetalipoproteinemia; APOB-Related Familial Hypobetalipoproteinemia. Identifiers: MedGen C4551990, MONDO:0014252, OMIM 615558.
Hypercholesterolemia, autosomal dominant, type B (FHCL2). Also called: Familial Hypercholesterolemia Type B; APOB-Related Familial Hypercholesterolemia, Autosomal Dominant; Hyperlipoproteinemia Type IIb; Familial hypercholesterolemia 2; APOLIPOPROTEIN B-100, FAMILIAL DEFECTIVE; APOLIPOPROTEIN B-100, FAMILIAL LIGAND-DEFECTIVE. Identifiers: MedGen C1704417, MONDO:0007751, OMIM 144010.
Hypercholesterolemia, familial, 1. Also called: LDL RECEPTOR DISORDER; Hyperlipoproteinemia Type IIa; HYPER-LOW-DENSITY-LIPOPROTEINEMIA; HYPERCHOLESTEROLEMIC XANTHOMATOSIS, FAMILIAL; Fredrickson type IIa hyperlipoproteinemia; Hyperlipoproteinemia type 2. Identifiers: Orphanet 391665, MedGen C0745103, MONDO:0007750, OMIM 143890.
Familial hypercholesterolemia. Also called: Familial hypercholesterolemias; Familial hypercholesterolaemia. Identifiers: MedGen C0020445, MONDO:0005439.
Cardiovascular phenotype. Identifiers: MedGen CN230736.

Allele frequency attached by ClinVar (database versions not stated): gnomAD exomes 0.00144; ExAC 0.00484; ESP Exome Variant Server 0.01499; gnomAD 0.01525; TOPMed 0.01654; 1000 Genomes Project 0.02236; 1000 Genomes Project 30x 0.02405.
gnomAD v4.1: 4,494 of 1,614,042 alleles (0.28%); highest among the groups gnomAD compares: African/African-American, 5.3%; 111 homozygotes.

Submissions (15):

Labcorp Genetics (formerly Invitae), Labcorp
Classification: Benign for Familial hypobetalipoproteinemia 1; Hypercholesterolemia, autosomal dominant, type B. Last evaluated: 2026-02-03. Review status: criteria provided, single submitter. Criteria: Invitae Variant Classification Sherloc (09022015). Collection method: clinical testing. Allele origin: germline.

Molecular Diagnostic Laboratory for Inherited Cardiovascular Disease, Montreal Heart Institute
Classification: Likely benign. Last evaluated: 2025-04-09. Review status: criteria provided, single submitter. Criteria: ACMG Guidelines, 2015. Collection method: clinical testing. Allele origin: germline. Affected: no.

ARUP Laboratories, Molecular Genetics and Genomics, ARUP Laboratories
Classification: Benign. Last evaluated: 2025-03-11. Review status: criteria provided, single submitter. Criteria: ARUP Molecular Germline Variant Investigation Process 2024. Collection method: clinical testing. Allele origin: germline.

Quest Diagnostics Nichols Institute San Juan Capistrano
Classification: Benign. Last evaluated: 2022-10-17. Review status: criteria provided, single submitter. Criteria: Quest Diagnostics criteria. Collection method: clinical testing. Allele origin: unknown.

GENinCode PLC
Classification: Benign for Familial hypercholesterolemia. Last evaluated: 2022-10-11. Review status: criteria provided, single submitter. Criteria: ACMG Guidelines, 2015. Collection method: clinical testing. Allele origin: germline.

Mayo Clinic Laboratories, Mayo Clinic
Classification: Benign. Last evaluated: 2019-08-30. Review status: criteria provided, single submitter. Criteria: ACMG Guidelines, 2015. Collection method: clinical testing. Allele origin: germline. Observed: 8 variant alleles.

Illumina Laboratory Services, Illumina
Classification: Likely benign for Hypercholesterolemia, autosomal dominant, type B. Last evaluated: 2018-04-16. Review status: criteria provided, single submitter. Criteria: ICSL Variant Classification Criteria 13 December 2019. Collection method: clinical testing. Allele origin: germline.
Comment: This variant was observed as part of a predisposition screen in an ostensibly healthy population. A literature search was performed for the gene, cDNA change, and amino acid change (where applicable). No publications were found based on this search. Allele frequency data from public databases allowed determination this variant is unlikely to cause disease. Therefore, this variant is classified as likely benign.

GeneDx
Classification: Benign. Last evaluated: 2018-01-04. Review status: criteria provided, single submitter. Criteria: GeneDx Variant Classification (06012015). Collection method: clinical testing. Allele origin: germline. Affected: yes.
Comment: This variant is considered likely benign or benign based on one or more of the following criteria: it is a conservative change, it occurs at a poorly conserved position in the protein, it is predicted to be benign by multiple in silico algorithms, and/or has population frequency not consistent with disease.

Robarts Research Institute, Western University
Classification: Likely benign for Hypercholesterolemia, familial, 1. Last evaluated: 2018-01-02. Review status: criteria provided, single submitter. Criteria: ACMG Guidelines, 2015. Collection method: clinical testing. Allele origin: germline. Inheritance: Autosomal dominant inheritance. Affected: yes.

Center for Pediatric Genomic Medicine, Children's Mercy Hospital and Clinics
Classification: Benign. Last evaluated: 2017-01-23. Review status: criteria provided, single submitter. Criteria: ACMG Guidelines, 2015. Collection method: clinical testing. Allele origin: germline.

Ambry Genetics
Classification: Benign for Cardiovascular phenotype. Last evaluated: 2016-03-23. Review status: criteria provided, single submitter. Criteria: Ambry Variant Classification Scheme 2023. Collection method: clinical testing. Allele origin: germline.

Laboratory of Genetics and Molecular Cardiology, University of São Paulo
Classification: Uncertain significance for Familial hypercholesterolemia. Last evaluated: 2016-03-01. Review status: criteria provided, single submitter. Criteria: ACMG Guidelines, 2015. Collection method: research. Allele origin: germline. Study: HipercolBrasil.

PreventionGenetics, part of Exact Sciences
Classification: Benign. Review status: criteria provided, single submitter. Criteria: ACMG Guidelines, 2015. Collection method: clinical testing. Allele origin: germline.

Clinical Genetics, Academic Medical Center
Classification: Benign. Review status: no assertion criteria provided. Collection method: clinical testing. Allele origin: germline. Affected: yes. Study: VKGL Data-share Consensus. Not counted in ClinVar's aggregate classification.

Diagnostic Laboratory, Department of Genetics, University Medical Center Groningen
Classification: Benign. Review status: no assertion criteria provided. Collection method: clinical testing. Allele origin: germline. Affected: yes. Study: VKGL Data-share Consensus. Not counted in ClinVar's aggregate classification.

Literature cited by the submitters: PubMed 20657596 (cited by Quest Diagnostics Nichols Institute San Juan Capistrano); PubMed 26636822 (cited by Quest Diagnostics Nichols Institute San Juan Capistrano); PubMed 19602640 (cited by Quest Diagnostics Nichols Institute San Juan Capistrano).

NM_000384.3(APOB):c.9880T>C (p.Ser3294Pro)

Gene: APOB (apolipoprotein B; minus strand). Cytogenetic location: 2p24.1.
Variant type: single nucleotide variant.
Coding change: c.9880T>C on transcript NM_000384.3 (MANE Select); coding-DNA position 9880, T replaced by C.
Protein change: p.Ser3294Pro; replaces serine 3294 with proline.
Molecular consequence: missense variant.
Genome position (GRCh38, 1-based): chr2:21,006,988, A>G on the plus strand (T>C on the coding strand, the complement: APOB is on the minus strand). VCF-style: chr2-21006988-A-G. GRCh37 (hg19) VCF-style: chr2-21229860-A-G.
Other names: p.Ser3294Pro; short protein forms S3294P.
Identifiers: ClinVar variation 255990 (VCV000255990.40), dbSNP rs12720855, ClinGen allele CA066933.
Genomic context (GRCh38, chr2:21,006,988, plus strand): 5'-TGAGATTTCTAGGGACATGAAGGACTGGCAGCTCTAATGATGGCAGGATTAATGTGTATG[A>G]AGGCACACGGACGTCAGAACCTAGGATGGAGAAACTAGGCATGCTGACTGCTTTTGGGAA-3'
Protein context (NP_000375.3, residues 3284-3304): SILGSDVRVP[Ser3294Pro]YTLILPSLEL